The following is an entry in ClinVar:

ClinVar aggregate classification (germline): Pathogenic/Likely pathogenic. Review status: criteria provided, multiple submitters, no conflicts (2 of 4 stars). 7 submissions from 7 submitters: Pathogenic (4); Likely pathogenic (1). 2 of the submissions do not count toward it. Last evaluated 2025-02-16.

Conditions:
COL17A1-related disorder. Also called: COL17A1-related condition.
Epithelial recurrent erosion dystrophy (ERED). Also called: CORNEAL EROSIONS, RECURRING HEREDITARY. Identifiers: Orphanet 293381, MedGen C1852551, MONDO:0007381, OMIM 122400.
Epidermolysis bullosa, junctional 4, intermediate. Also called: EPIDERMOLYSIS BULLOSA, JUNCTIONAL 4, NON-HERLITZ TYPE; EPIDERMOLYSIS BULLOSA, GENERALIZED ATROPHIC BENIGN; Epidermolysis bullosa, junctional, localisata variant. Identifiers: MedGen C2608084, MONDO:0030750, OMIM 619787.

Allele frequency attached by ClinVar (database versions not stated): gnomAD 0.00016 and 0.00015; ExAC 0.00017; 1000 Genomes Project 0.00020; TOPMed 0.00009; gnomAD exomes 0.00011 and 0.00012; 1000 Genomes Project 30x 0.00016.
gnomAD v4.1: 199 of 1,613,258 alleles (0.012%); highest among the groups gnomAD compares: South Asian, 0.022%; 1 homozygote.

Submissions (7):

Laboratory of Genetics, Children's Clinical University Hospital Latvia
Classification: Pathogenic. Last evaluated: 2025-02-16. Review status: criteria provided, single submitter. Criteria: ACMG Guidelines, 2015. Collection method: clinical testing. Allele origin: germline. Affected: yes.

Labcorp Genetics (formerly Invitae), Labcorp
Classification: Pathogenic. Last evaluated: 2023-12-24. Review status: criteria provided, single submitter. Criteria: Invitae Variant Classification Sherloc (09022015). Collection method: clinical testing. Allele origin: germline.
Comment: This sequence change replaces arginine, which is basic and polar, with glutamine, which is neutral and polar, at codon 1303 of the COL17A1 protein (p.Arg1303Gln). This variant is present in population databases (rs121912771, gnomAD 0.02%). This missense change has been observed in individual(s) with clinical features of junctional epidermolysis bullosa (PMID: 21466533, 23550562, 24005051, 26604146). In at least one individual the data is consistent with being in trans (on the opposite chromosome) from a pathogenic variant. ClinVar contains an entry for this variant (Variation ID: 17650). Algorithms developed to predict the effect of variants on protein structure and function are not available or were not evaluated for this variant. Experimental studies are conflicting or provide insufficient evidence to determine the effect of this variant on COL17A1 function (PMID: 26604146). For these reasons, this variant has been classified as Pathogenic.

Revvity Omics, Revvity
Classification: Pathogenic. Last evaluated: 2022-12-11. Review status: criteria provided, single submitter. Criteria: ACMG Guidelines, 2015. Collection method: clinical testing. Allele origin: germline.

Mendelics
Classification: Likely pathogenic for Epithelial recurrent erosion dystrophy. Last evaluated: 2022-05-04. Review status: criteria provided, single submitter. Criteria: Mendelics Assertion Criteria 2019. Collection method: clinical testing. Allele origin: germline.

GeneDx
Classification: Pathogenic. Last evaluated: 2021-12-06. Review status: criteria provided, single submitter. Criteria: GeneDx Variant Classification Process June 2021. Collection method: clinical testing. Allele origin: germline. Affected: yes.
Comment: Published functional studies demonstrate a damaging effect of the R1303Q variant on keratinocyte adhesion and collagen XVII-laminin interactions (Kroeger et al., 2019); In silico analysis, which includes splice predictors and evolutionary conservation, supports that this missense variant does not alter protein structure/function; This variant is associated with the following publications: (PMID: 31589614, 26604146, 9199555, 17263807, 21466533, 33393081, 23550562, 24005051, 30316981)

PreventionGenetics, part of Exact Sciences
Classification: Pathogenic for COL17A1-related condition. Last evaluated: 2024-05-04. Review status: no assertion criteria provided. Collection method: clinical testing. Allele origin: germline. Not counted in ClinVar's aggregate classification.
Comment: The COL17A1 c.3908G>A variant is predicted to result in the amino acid substitution p.Arg1303Gln. This variant has been reported in the homozygous and compound heterozygous states in individuals with junctional epidermolysis bullosa (Schumann et al. 1997. PubMed ID: 9199555; Condrat et al. 2019. PubMed ID: 30761300; Hérissé et al. 2021. PubMed ID: 33393081). In vitro functional studies using patient keratinocytes demonstrated this variant resides in the laminin-332 binding site and results in diminished cell adhesion and impaired migration (Kroeger et al. 2018. PubMed ID: 30316981). This variant is reported in 0.026% of alleles in individuals of European (non-Finnish) descent in gnomAD. This variant is interpreted as pathogenic.

OMIM
Classification: Pathogenic for EPIDERMOLYSIS BULLOSA, JUNCTIONAL 4, INTERMEDIATE. Last evaluated: 1997-06-01. Review status: no assertion criteria provided. Collection method: literature only. Allele origin: germline. Not counted in ClinVar's aggregate classification.

Literature cited by the submitters: PubMed 21466533 (cited by Labcorp Genetics (formerly Invitae), Labcorp); PubMed 23550562 (cited by Labcorp Genetics (formerly Invitae), Labcorp); PubMed 24005051 (cited by Labcorp Genetics (formerly Invitae), Labcorp); PubMed 26604146 (cited by Labcorp Genetics (formerly Invitae), Labcorp); PubMed 9199555 (cited by OMIM).

NM_000494.4(COL17A1):c.3908G>A (p.Arg1303Gln)

Gene: COL17A1 (collagen type XVII alpha 1 chain; minus strand). Cytogenetic location: 10q25.1.
Variant type: single nucleotide variant.
Coding change: c.3908G>A on transcript NM_000494.4 (MANE Select); coding-DNA position 3908, G replaced by A.
Protein change: p.Arg1303Gln; replaces arginine 1303 with glutamine.
Molecular consequence: missense variant.
Genome position (GRCh38, 1-based): chr10:104,034,193, C>T on the plus strand (G>A on the coding strand, the complement: COL17A1 is on the minus strand). VCF-style: chr10-104034193-C-T. GRCh37 (hg19) VCF-style: chr10-105793951-C-T.
Other names: c.3908G>A, p.Arg1303Gln (LRG_1249t1); short protein forms R1303Q.
Identifiers: ClinVar variation 17650 (VCV000017650.16), dbSNP rs121912771, ClinGen allele CA127324.